The following is an entry in ClinVar:

NM_006031.6(PCNT):c.7271G>A (p.Arg2424Gln)

Gene: PCNT (pericentrin; plus strand). Cytogenetic location: 21q22.3.
Variant type: single nucleotide variant.
Coding change: c.7271G>A on transcript NM_006031.6 (MANE Select); coding-DNA position 7271, G replaced by A.
Protein change: p.Arg2424Gln; replaces arginine 2424 with glutamine.
Molecular consequence: missense variant.
Genome position (GRCh38, 1-based): chr21:46,425,922, G>A. VCF-style: chr21-46425922-G-A. GRCh37 (hg19) VCF-style: chr21-47845836-G-A.
Other names: c.6917G>A, p.Arg2306Gln (NM_001315529.2); c.7271G>A (NM_006031.5); short protein forms R2306Q, R2424Q.
Identifiers: ClinVar variation 1409023 (VCV001409023.7), dbSNP rs371893416, ClinGen allele CA322009152.

ClinVar aggregate classification (germline): Uncertain significance. Review status: criteria provided, multiple submitters, no conflicts (2 of 4 stars). 3 submissions from 3 submitters: Uncertain significance (3). Last evaluated 2026-09-06.

Conditions:
PCNT-related disorder. Also called: PCNT-related condition.

Allele frequency attached by ClinVar (database versions not stated): gnomAD exomes below 0.00001; TOPMed 0.00001; gnomAD 0.00004; ESP Exome Variant Server 0.00008.
gnomAD v4.1: 34 of 1,613,938 alleles (0.0021%); highest among the groups gnomAD compares: East Asian, 0.0067%; no homozygotes.

Submissions (3):

PreventionGenetics, part of Exact Sciences
Classification: Uncertain significance for PCNT-related condition. Last evaluated: 2026-09-06. Review status: criteria provided, single submitter. Criteria: ACMG Guidelines, 2015. Collection method: clinical testing. Allele origin: germline.
Comment: The PCNT c.7271G>A variant is predicted to result in the amino acid substitution p.Arg2424Gln. This variant has been reported in the compound heterozygous state in an individual from a cohort of patients with severe intellectual disability (Table S9, de Ligt et al 2012. PubMed ID: 23033978). This variant is reported in 0.0050% of alleles in individuals of East Asian descent in gnomAD. At this time, the clinical significance of this variant is uncertain due to the absence of conclusive functional and genetic evidence.

Women's Health and Genetics/Laboratory Corporation of America, LabCorp
Classification: Uncertain significance. Last evaluated: 2024-05-06. Review status: criteria provided, single submitter. Criteria: LabCorp Variant Classification Summary - May 2015. Collection method: clinical testing. Allele origin: germline.
Comment: Variant summary: PCNT c.7271G>A (p.Arg2424Gln) results in a conservative amino acid change in the encoded protein sequence. Five of five in-silico tools predict a benign effect of the variant on protein function. The variant allele was found at a frequency of 4e-06 in 251350 control chromosomes. The available data on variant occurrences in the general population are insufficient to allow any conclusion about variant significance. c.7271G>A has been reported in the literature as a non-informative genotype in at-least one proband with intellectual disability (example, deLigt_2012). These report(s) do not provide unequivocal conclusions about association of the variant with Microcephalic Osteodysplastic Primordial Dwarfism Type II. To our knowledge, no experimental evidence demonstrating an impact on protein function has been reported. The following publication have been ascertained in the context of this evaluation (PMID: 23033978). ClinVar contains an entry for this variant (Variation ID: 1409023). Based on the evidence outlined above, the variant was classified as uncertain significance.

Labcorp Genetics (formerly Invitae), Labcorp
Classification: Uncertain significance. Last evaluated: 2021-08-30. Review status: criteria provided, single submitter. Criteria: Invitae Variant Classification Sherloc (09022015). Collection method: clinical testing. Allele origin: germline.
Comment: This sequence change replaces arginine with glutamine at codon 2424 of the PCNT protein (p.Arg2424Gln). The arginine residue is weakly conserved and there is a small physicochemical difference between arginine and glutamine. This variant is not present in population databases (ExAC no frequency). This variant has not been reported in the literature in individuals affected with PCNT-related conditions. Algorithms developed to predict the effect of missense changes on protein structure and function (SIFT, PolyPhen-2, Align-GVGD) all suggest that this variant is likely to be tolerated. Algorithms developed to predict the effect of sequence changes on RNA splicing suggest that this variant may create or strengthen a splice site. In summary, the available evidence is currently insufficient to determine the role of this variant in disease. Therefore, it has been classified as a Variant of Uncertain Significance.

Literature cited by the submitters: PubMed 23033978 (cited by Women's Health and Genetics/Laboratory Corporation of America, LabCorp).